The following is an entry in ClinVar:

ClinVar aggregate classification (germline): Uncertain significance. Review status: criteria provided, multiple submitters, no conflicts (2 of 4 stars). 2 submissions from 2 submitters: Uncertain significance (2). Last evaluated 2023-10-06.

Conditions:
Cardiomyopathy (CMYO). Also called: Cardiomyopathies. Identifiers: Orphanet 167848, MedGen C0878544, MONDO:0004994, HP:0001638. Inheritance: Various modes of inheritance.
Hypertrophic cardiomyopathy. Also called: HYPERTROPHIC MYOCARDIOPATHY. Identifiers: Orphanet 217569, MedGen C0007194, MeSH D002312, MONDO:0005045, HP:0001639.

Allele frequency attached by ClinVar (database versions not stated): gnomAD exomes below 0.00001; TOPMed below 0.00001; ExAC 0.00001; gnomAD 0.00001.
gnomAD v4.1: 5 of 1,614,052 alleles (0.00031%); highest among the groups gnomAD compares: Admixed American, 0.0017%; no homozygotes.

Submissions (2):

All of Us Research Program, National Institutes of Health
Classification: Uncertain significance for Cardiomyopathy. Last evaluated: 2023-10-06. Review status: criteria provided, single submitter. Criteria: ACMG Guidelines, 2015. Collection method: clinical testing. Allele origin: germline. Inheritance: Autosomal dominant inheritance. Observed: 1 variant allele, 1 heterozygote.
Comment: This missense variant replaces asparagine with histidine at codon 1678 of the MYH7 protein. Computational prediction suggests that this variant may not impact protein structure and function (internally defined REVEL score threshold <= 0.5, PMID: 27666373). To our knowledge, functional studies have not been reported for this variant. This variant has not been reported in individuals affected with MYH7-related disorders in the literature. This variant has been identified in 2/282792 chromosomes in the general population by the Genome Aggregation Database (gnomAD). The available evidence is insufficient to determine the role of this variant in disease conclusively. Therefore, this variant is classified as a Variant of Uncertain Significance.

This study involves interpretation of variants in research participants for the purpose of population health screening. Participant phenotype was not available at the time of variant classification. Additional details can be found in publication PMID: 35346344, PMCID: PMC8962531

Labcorp Genetics (formerly Invitae), Labcorp
Classification: Uncertain significance for Hypertrophic cardiomyopathy. Last evaluated: 2022-07-14. Review status: criteria provided, single submitter. Criteria: Invitae Variant Classification Sherloc (09022015). Collection method: clinical testing. Allele origin: germline.
Comment: In summary, the available evidence is currently insufficient to determine the role of this variant in disease. Therefore, it has been classified as a Variant of Uncertain Significance. Algorithms developed to predict the effect of missense changes on protein structure and function are either unavailable or do not agree on the potential impact of this missense change (SIFT: "Deleterious"; PolyPhen-2: "Benign"; Align-GVGD: "Class C0"). ClinVar contains an entry for this variant (Variation ID: 1016191). This missense change has been observed in individual(s) with clinical features of MYH7-related conditions (Invitae). This variant is present in population databases (rs752021154, gnomAD 0.002%). This sequence change replaces asparagine, which is neutral and polar, with histidine, which is basic and polar, at codon 1678 of the MYH7 protein (p.Asn1678His).

NM_000257.4(MYH7):c.5032A>C (p.Asn1678His)

Genes: MHRT (myosin heavy chain associated RNA transcript; plus strand), MYH7 (myosin heavy chain 7; minus strand), LOC126861897 (BRD4-independent group 4 enhancer GRCh37_chr14:23884455-23885654; plus strand). Cytogenetic location: 14q11.2.
Variant type: single nucleotide variant.
Coding change: c.5032A>C on transcript NM_000257.4 (MANE Select); coding-DNA position 5032, A replaced by C.
Protein change: p.Asn1678His; replaces asparagine 1678 with histidine.
Molecular consequence: missense variant. On other transcripts: non-coding transcript variant (1).
Genome position (GRCh38, 1-based): chr14:23,415,754, T>G on the plus strand (A>C on the coding strand, the complement: MYH7 is on the minus strand). VCF-style: chr14-23415754-T-G. GRCh37 (hg19) VCF-style: chr14-23884963-T-G.
Other names: short protein forms N1678H.
Identifiers: ClinVar variation 1016191 (VCV001016191.8), dbSNP rs752021154, ClinGen allele CA045048.